The following is an entry in ClinVar:

ClinVar aggregate classification (germline): Uncertain significance (1 of 4 stars; one submission).

Submission:

Greenwood Genetic Center Diagnostic Laboratories, Greenwood Genetic Center
Classification: Uncertain significance. Last evaluated: 2022-06-30. Review status: criteria provided, single submitter. Criteria: ACMG Guidelines, 2015. Collection method: clinical testing. Allele origin: germline. Affected: yes.
Comment: PM2, BP4

NM_004933.3(CDH15):c.1451C>T (p.Ala484Val)

Gene: CDH15 (cadherin 15; plus strand). Cytogenetic location: 16q24.3.
Variant type: single nucleotide variant.
Coding change: c.1451C>T on transcript NM_004933.3 (MANE Select); coding-DNA position 1451, C replaced by T.
Protein change: p.Ala484Val; replaces alanine 484 with valine.
Molecular consequence: missense variant.
Genome position (GRCh38, 1-based): chr16:89,191,730, C>T. VCF-style: chr16-89191730-C-T. GRCh37 (hg19) VCF-style: chr16-89258138-C-T.
Other names: short protein forms A484V.
Identifiers: ClinVar variation 1703134 (VCV001703134.3), dbSNP rs2543971938, ClinGen allele CA397140705.